The following is an entry in ClinVar:

NM_031433.4(MFRP):c.355A>G (p.Ile119Val)

Genes: C1QTNF5 (C1q and TNF related 5; minus strand), MFRP (membrane frizzled-related protein; minus strand). Cytogenetic location: 11q23.3.
Variant type: single nucleotide variant.
Coding change: c.355A>G on transcript NM_031433.4 (MANE Select); coding-DNA position 355, A replaced by G.
Protein change: p.Ile119Val; replaces isoleucine 119 with valine.
Molecular consequence: missense variant. On other transcripts: 5 prime UTR variant (1).
Genome position (GRCh38, 1-based): chr11:119,345,845, T>C on the plus strand (A>G on the coding strand, the complement: MFRP is on the minus strand). VCF-style: chr11-119345845-T-C. GRCh37 (hg19) VCF-style: chr11-119216555-T-C.
Other names: c.-2282A>G (NM_015645.5); short protein forms I119V.
Identifiers: ClinVar variation 197357 (VCV000197357.22), dbSNP rs4639950, ClinGen allele CA017249.

ClinVar aggregate classification (germline): Benign/Likely benign. Review status: criteria provided, multiple submitters, no conflicts (2 of 4 stars). 6 submissions from 5 submitters: Benign (3); Likely benign (3). Last evaluated 2026-02-02.

Conditions:
Nanophthalmos 2 (NNO2). Also called: NANOPHTHALMIA 2; NANOPHTHALMOS, AUTOSOMAL RECESSIVE. Identifiers: Orphanet 35612, MedGen C1836006, MONDO:0012299, OMIM 609549.
Isolated microphthalmia 5. Also called: Posterior Microphthalmia with Retinitis Pigmentosa, Foveoschisis, and Optic Disc Drusen. Identifiers: Orphanet 251279, MedGen C1970236, MONDO:0012605, OMIM 611040.
Late-onset retinal degeneration (LORD). Also called: RETINAL DEGENERATION, LATE-ONSET, AUTOSOMAL DOMINANT. Identifiers: Orphanet 67042, MedGen C1854065, MONDO:0011579, OMIM 605670. Disease mechanism: loss of function.

Allele frequency attached by ClinVar (database versions not stated): 1000 Genomes Project 0.01278; 1000 Genomes Project 30x 0.01312; gnomAD 0.01611 and 0.01487; ESP Exome Variant Server 0.01640; gnomAD exomes 0.00405 and 0.00147; ExAC 0.00493; TOPMed 0.01713.
gnomAD v4.1: 4,566 of 1,613,524 alleles (0.28%); highest among the groups gnomAD compares: African/African-American, 5.3%; 119 homozygotes.

Submissions (6):

Labcorp Genetics (formerly Invitae), Labcorp
Classification: Benign for Isolated microphthalmia 5. Last evaluated: 2026-02-02. Review status: criteria provided, single submitter. Criteria: Invitae Variant Classification Sherloc (09022015). Collection method: clinical testing. Allele origin: germline.

Fulgent Genetics
Classification: Likely benign for Nanophthalmos 2; Isolated microphthalmia 5. Last evaluated: 2022-03-31. Review status: criteria provided, single submitter. Criteria: ACMG Guidelines, 2015. Collection method: clinical testing. Allele origin: unknown.

Illumina Laboratory Services, Illumina
Classification: Benign for Late-onset retinal degeneration. Last evaluated: 2018-01-13. Review status: criteria provided, single submitter. Criteria: ICSL Variant Classification Criteria 13 December 2019. Collection method: clinical testing. Allele origin: germline.
Comment: This variant was observed in the ICSL laboratory as part of a predisposition screen in an ostensibly healthy population. It had not been previously curated by ICSL or reported in the Human Gene Mutation Database (HGMD: prior to June 1st, 2018), and was therefore a candidate for classification through an automated scoring system. Utilizing variant allele frequency, disease prevalence and penetrance estimates, and inheritance mode, an automated score was calculated to assess if this variant is too frequent to cause the disease. Based on the score and internal cut-off values, a variant classified as benign is not then subjected to further curation. The score for this variant resulted in a classification of benign for this disease.

Illumina Laboratory Services, Illumina
Classification: Likely benign for Isolated microphthalmia 5. Last evaluated: 2018-01-12. Review status: criteria provided, single submitter. Criteria: ICSL Variant Classification Criteria 13 December 2019. Collection method: clinical testing. Allele origin: germline.
Comment: This variant was observed in the ICSL laboratory as part of a predisposition screen in an ostensibly healthy population. It had not been previously curated by ICSL or reported in the Human Gene Mutation Database (HGMD: prior to June 1st, 2018), and was therefore a candidate for classification through an automated scoring system. Utilizing variant allele frequency, disease prevalence and penetrance estimates, and inheritance mode, an automated score was calculated to assess if this variant is too frequent to cause the disease. Based on the score and internal cut-off values, a variant classified as likely benign is not then subjected to further curation. The score for this variant resulted in a classification of likely benign for this disease.

Eurofins Ntd Llc (ga)
Classification: Benign. Last evaluated: 2015-02-23. Review status: criteria provided, single submitter. Criteria: EGL Classification Definitions 2015. Collection method: clinical testing. Allele origin: germline. Observed: 1 variant allele, 1 heterozygote.

Breakthrough Genomics
Classification: Likely benign. Review status: criteria provided, single submitter. Criteria: ACMG Guidelines, 2015. Collection method: not provided. Allele origin: germline. Inheritance: Autosomal recessive inheritance. Affected: yes.